The following is an entry in ClinVar:

NM_000283.4(PDE6B):c.306C>T (p.Gly102=)

Gene: PDE6B (phosphodiesterase 6B; plus strand). Cytogenetic location: 4p16.3.
Variant type: single nucleotide variant.
Coding change: c.306C>T on transcript NM_000283.4 (MANE Select); coding-DNA position 306, C replaced by T.
Protein change: p.Gly102=; no amino-acid change (glycine 102 retained).
Molecular consequence: synonymous variant.
Genome position (GRCh38, 1-based): chr4:625,932, C>T. VCF-style: chr4-625932-C-T. GRCh37 (hg19) VCF-style: chr4-619721-C-T.
Other names: c.306C>T, p.Gly102= (NM_001145291.2).
Identifiers: ClinVar variation 854221 (VCV000854221.11), dbSNP rs201939549, ClinGen allele CA2793907.

ClinVar aggregate classification (germline): Likely benign. Review status: criteria provided, multiple submitters, no conflicts (2 of 4 stars). 2 submissions from 2 submitters: Likely benign (2). Last evaluated 2025-04-26.

Conditions:
PDE6B-related disorder. Also called: PDE6B-related disease; PDE6B-related condition; PDE6B-related disorders.

Allele frequency attached by ClinVar (database versions not stated): gnomAD exomes 0.00002 and 0.00004; gnomAD 0.00007 and 0.00008; ExAC 0.00008; TOPMed 0.00013; 1000 Genomes Project 0.00040; 1000 Genomes Project 30x 0.00047.
gnomAD v4.1: 43 of 1,594,380 alleles (0.0027%); highest among the groups gnomAD compares: African/African-American, 0.021%; no homozygotes.

Submissions (2):

PreventionGenetics, part of Exact Sciences
Classification: Likely benign for PDE6B-related condition. Last evaluated: 2025-04-26. Review status: criteria provided, single submitter. Criteria: ACMG Guidelines, 2015. Collection method: clinical testing. Allele origin: germline.
Comment: This variant is classified as likely benign based on ACMG/AMP sequence variant interpretation guidelines (Richards et al. 2015 PMID: 25741868, with internal and published modifications).

Labcorp Genetics (formerly Invitae), Labcorp
Classification: Likely benign. Last evaluated: 2025-02-05. Review status: criteria provided, single submitter. Criteria: Invitae Variant Classification Sherloc (09022015). Collection method: clinical testing. Allele origin: germline.